The following is an entry in ClinVar:

Conditions:
Breast-ovarian cancer, familial, susceptibility to, 1 (BROVCA1). Also called: BRCA1 Hereditary Breast and Ovarian Cancer; OVARIAN CANCER, SUSCEPTIBILITY TO. Identifiers: Orphanet 145, MedGen C2676676, MONDO:0011450, OMIM 604370. Disease mechanism: loss of function.

Submission:

Brotman Baty Institute, University of Washington
No classification provided (evidence only). Condition: Breast-ovarian cancer, familial 1. Review status: no classification provided. Collection method: in vitro. Allele origin: not applicable. Functional consequence: functionally_normal.
ClinVar note: "not provided" was previously submitted as the classification for the variant. However, the classification appeared to be based only on an observation of functional data so it was converted to no classification on 2025-07-30.

NM_007294.4(BRCA1):c.5199T>G (p.Asp1733Glu)

Gene: BRCA1 (BRCA1 DNA repair associated; minus strand). Cytogenetic location: 17q21.31.
Variant type: single nucleotide variant.
Coding change: c.5199T>G on transcript NM_007294.4 (MANE Select); coding-DNA position 5199, T replaced by G.
Protein change: p.Asp1733Glu; replaces aspartic acid 1733 with glutamic acid.
Molecular consequence: missense variant. On other transcripts: non-coding transcript variant (1).
Genome position (GRCh38, 1-based): chr17:43,057,130, A>C on the plus strand (T>G on the coding strand, the complement: BRCA1 is on the minus strand). VCF-style: chr17-43057130-A-C. GRCh37 (hg19) VCF-style: chr17-41209147-A-C.
Other names: c.5193T>G, p.Asp1731Glu (NM_001407629.1, NM_001407630.1, NM_001407631.1 and 14 more transcripts); c.5139T>G, p.Asp1713Glu (NM_001407649.1); c.5121T>G, p.Asp1707Glu (NM_001407652.1, NM_001407653.1, NM_001407654.1 and 1 more transcripts); c.5118T>G, p.Asp1706Glu (NM_001407656.1, NM_001407657.1, NM_001407658.1); c.5115T>G, p.Asp1705Glu (NM_001407659.1, NM_001407660.1, NM_001407661.1 and 2 more transcripts); c.5073T>G, p.Asp1691Glu (NM_001407670.1, NM_001407671.1, NM_001407672.1 and 10 more transcripts); c.5070T>G, p.Asp1690Glu (NM_001407689.1, NM_001407941.1, NM_001407681.1 and 6 more transcripts); c.5067T>G, p.Asp1689Glu (NM_001407690.1, NM_001407691.1); and 72 more; short protein forms D1754E, D1733E, D629E, D1686E, D1436E, D1604E, D1689E, D1690E.
Identifiers: ClinVar variation 868174 (VCV000868174.3), dbSNP rs2051529721, ClinGen allele CA10591135.